The following is an entry in ClinVar:

ClinVar aggregate classification (germline): Benign/Likely benign. Review status: criteria provided, multiple submitters, no conflicts (2 of 4 stars). 3 submissions from 3 submitters: Benign (2); Likely benign (1). Last evaluated 2026-01-28.

Allele frequency attached by ClinVar (database versions not stated): gnomAD 0.00230 and 0.00236; ExAC 0.00231; gnomAD exomes 0.00238 and 0.00243; TOPMed 0.00244; 1000 Genomes Project 0.00319; 1000 Genomes Project 30x 0.00344; ESP Exome Variant Server 0.00223.
gnomAD v4.1: 3,878 of 1,605,930 alleles (0.24%); highest among the groups gnomAD compares: Admixed American, 0.34%; 11 homozygotes.

Submissions (3):

Labcorp Genetics (formerly Invitae), Labcorp
Classification: Benign. Last evaluated: 2026-01-28. Review status: criteria provided, single submitter. Criteria: Invitae Variant Classification Sherloc (09022015). Collection method: clinical testing. Allele origin: germline.

CeGaT Center for Human Genetics Tuebingen
Classification: Likely benign. Last evaluated: 2022-08-01. Review status: criteria provided, single submitter. Criteria: CeGaT Center For Human Genetics Tuebingen Variant Classification Criteria Version 2. Collection method: clinical testing. Allele origin: germline. Affected: yes. Observed: 1 variant allele.
Comment: PLXNA2: BP4, BP7

Breakthrough Genomics
Classification: Benign. Review status: criteria provided, single submitter. Criteria: ACMG Guidelines, 2015. Collection method: not provided. Allele origin: germline. Inheritance: Unknown mechanism. Affected: yes.

NM_025179.4(PLXNA2):c.1488C>T (p.Tyr496=)

Gene: PLXNA2 (plexin A2; minus strand). Cytogenetic location: 1q32.2.
Variant type: single nucleotide variant.
Coding change: c.1488C>T on transcript NM_025179.4 (MANE Select); coding-DNA position 1488, C replaced by T.
Protein change: p.Tyr496=; no amino-acid change (tyrosine 496 retained).
Molecular consequence: synonymous variant.
Genome position (GRCh38, 1-based): chr1:208,142,347, G>A on the plus strand (C>T on the coding strand, the complement: PLXNA2 is on the minus strand). VCF-style: chr1-208142347-G-A. GRCh37 (hg19) VCF-style: chr1-208315692-G-A.
Identifiers: ClinVar variation 720727 (VCV000720727.35), dbSNP rs149871348, ClinGen allele CA1373835.